The following is an entry in ClinVar:

NM_025137.4(SPG11):c.6871T>C (p.Cys2291Arg)

Gene: SPG11 (SPG11 vesicle trafficking associated, spatacsin; minus strand). Cytogenetic location: 15q21.1.
Variant type: single nucleotide variant.
Coding change: c.6871T>C on transcript NM_025137.4 (MANE Select); coding-DNA position 6871, T replaced by C.
Protein change: p.Cys2291Arg; replaces cysteine 2291 with arginine.
Molecular consequence: missense variant.
Genome position (GRCh38, 1-based): chr15:44,565,982, A>G on the plus strand (T>C on the coding strand, the complement: SPG11 is on the minus strand). VCF-style: chr15-44565982-A-G. GRCh37 (hg19) VCF-style: chr15-44858180-A-G.
Other names: c.6532T>C, p.Cys2178Arg (NM_001160227.2); short protein forms C2178R, C2291R.
Identifiers: ClinVar variation 1013949 (VCV001013949.6), dbSNP rs772796744, ClinGen allele CA7533964.

ClinVar aggregate classification (germline): Uncertain significance (1 of 4 stars; one submission).

Conditions:
Hereditary spastic paraplegia 11. Also called: SPASTIC PARAPLEGIA, AUTOSOMAL RECESSIVE, COMPLICATED, WITH THIN CORPUS CALLOSUM; SPASTIC PARAPLEGIA, AUTOSOMAL RECESSIVE, WITH MENTAL IMPAIRMENT AND THIN CORPUS CALLOSUM; Spastic Paraplegia 11; Spastic paraplegia, mental retardation and thin corpus callosum; Nakamura Osame syndrome; Autosomal recessive hereditary spastic paraplegia, mental impairment, and thin corpus callosum. Identifiers: Orphanet 2822, MedGen C1858479, MONDO:0011445, OMIM 604360.

Allele frequency attached by ClinVar (database versions not stated): gnomAD exomes below 0.00001; ExAC 0.00001; gnomAD 0.00001.
gnomAD v4.1: 1 of 1,613,822 alleles (0.000062%); highest among the groups gnomAD compares: Non-Finnish European, 0.000085%; no homozygotes.

Submission:

Labcorp Genetics (formerly Invitae), Labcorp
Classification: Uncertain significance for Hereditary spastic paraplegia 11. Last evaluated: 2022-08-16. Review status: criteria provided, single submitter. Criteria: Invitae Variant Classification Sherloc (09022015). Collection method: clinical testing. Allele origin: germline.
Comment: This sequence change replaces cysteine, which is neutral and slightly polar, with arginine, which is basic and polar, at codon 2291 of the SPG11 protein (p.Cys2291Arg). This variant is present in population databases (rs772796744, gnomAD 0.0009%). This variant has not been reported in the literature in individuals affected with SPG11-related conditions. ClinVar contains an entry for this variant (Variation ID: 1013949). Algorithms developed to predict the effect of missense changes on protein structure and function are either unavailable or do not agree on the potential impact of this missense change (SIFT: "Tolerated"; PolyPhen-2: "Probably Damaging"; Align-GVGD: "Class C0"). In summary, the available evidence is currently insufficient to determine the role of this variant in disease. Therefore, it has been classified as a Variant of Uncertain Significance.